The following is an entry in ClinVar:

ClinVar aggregate classification (germline): Uncertain significance (1 of 4 stars; one submission).

Conditions:
3-methylglutaconic aciduria, type VIIB (MGCA7B). Also called: CLPB Deficiency; 3-methylglutaconic aciduria, type VII, with cataracts, neurologic involvement and neutropenia; 3-methylglutaconic aciduria with cataracts, neurologic involvement and neutropenia. Identifiers: Orphanet 445038, MedGen C5676893, MONDO:0014561, OMIM 616271.

Submission:

Labcorp Genetics (formerly Invitae), Labcorp
Classification: Uncertain significance for 3-methylglutaconic aciduria, type VIIB. Last evaluated: 2022-02-28. Review status: criteria provided, single submitter. Criteria: Invitae Variant Classification Sherloc (09022015). Collection method: clinical testing. Allele origin: germline.
Comment: This sequence change replaces arginine, which is basic and polar, with lysine, which is basic and polar, at codon 152 of the CLPB protein (p.Arg152Lys). This variant also falls at the last nucleotide of exon 2, which is part of the consensus splice site for this exon. This variant is not present in population databases (gnomAD no frequency). This variant has not been reported in the literature in individuals affected with CLPB-related conditions. Algorithms developed to predict the effect of missense changes on protein structure and function (SIFT, PolyPhen-2, Align-GVGD) all suggest that this variant is likely to be tolerated. Variants that disrupt the consensus splice site are a relatively common cause of aberrant splicing (PMID: 17576681, 9536098). In summary, the available evidence is currently insufficient to determine the role of this variant in disease. Therefore, it has been classified as a Variant of Uncertain Significance.

Literature cited by the submitters: PubMed 17576681; PubMed 9536098.

NM_001258392.3(CLPB):c.455G>A (p.Arg152Lys)

Gene: CLPB (ClpB family mitochondrial disaggregase; minus strand). Cytogenetic location: 11q13.4.
Variant type: single nucleotide variant.
Coding change: c.455G>A on transcript NM_001258392.3 (MANE Select); coding-DNA position 455, G replaced by A.
Protein change: p.Arg152Lys; replaces arginine 152 with lysine.
Molecular consequence: missense variant. On other transcripts: synonymous variant (1).
Genome position (GRCh38, 1-based): chr11:72,430,312, C>T on the plus strand (G>A on the coding strand, the complement: CLPB is on the minus strand). VCF-style: chr11-72430312-C-T. GRCh37 (hg19) VCF-style: chr11-72141356-C-T.
Other names: c.455G>A, p.Ser152Asn (NM_001258393.3); c.213G>A, p.Gln71= (NM_001258394.3); c.455G>A, p.Arg152Lys (NM_030813.6); short protein forms R152K, S152N.
Identifiers: ClinVar variation 2104825 (VCV002104825.4), dbSNP rs2495982795, ClinGen allele CA381962529.